The following is an entry in ClinVar:

NC_000007.13:g.(?_147183007)_(147183153_?)del

Gene: CNTNAP2 (contactin associated protein 2; plus strand). Cytogenetic location: 7q35.
Variant type: Deletion.
Identifiers: ClinVar variation 1460167 (VCV001460167.8).

ClinVar aggregate classification (germline): Pathogenic (1 of 4 stars; one submission).

Conditions:
Cortical dysplasia-focal epilepsy syndrome (PTHSL1). Also called: Pitt-Hopkins-like syndrome 1. Identifiers: Orphanet 163681, Orphanet 221150, MedGen C2750246, MONDO:0012400, OMIM 610042.

Submission:

Labcorp Genetics (formerly Invitae), Labcorp
Classification: Pathogenic for Cortical dysplasia-focal epilepsy syndrome. Last evaluated: 2021-01-28. Review status: criteria provided, single submitter. Criteria: Invitae Variant Classification Sherloc (09022015). Collection method: clinical testing. Allele origin: germline.
Comment: For these reasons, this variant has been classified as Pathogenic. This variant has not been reported in the literature in individuals with CNTNAP2-related conditions. This variant is a gross deletion of the genomic region encompassing exon(s) 11 of the CNTNAP2 gene. This deletion is out-of-frame, and is expected to create a premature translational stop signal and result in an absent or disrupted protein product. Loss-of-function variants in CNTNAP2 are known to be pathogenic (PMID: 19896112, 21827697, 25045150, 26843181, 27439707).

Literature cited by the submitters: PubMed 19896112; PubMed 21827697; PubMed 25045150; PubMed 26843181; PubMed 27439707.